The following is an entry in ClinVar:

NM_020944.3(GBA2):c.2201G>A (p.Arg734His)

Gene: GBA2 (glucosylceramidase beta 2; minus strand). Cytogenetic location: 9p13.3.
Variant type: single nucleotide variant.
Coding change: c.2201G>A on transcript NM_020944.3 (MANE Select); coding-DNA position 2201, G replaced by A.
Protein change: p.Arg734His; replaces arginine 734 with histidine.
Molecular consequence: missense variant.
Genome position (GRCh38, 1-based): chr9:35,738,149, C>T on the plus strand (G>A on the coding strand, the complement: GBA2 is on the minus strand). VCF-style: chr9-35738149-C-T. GRCh37 (hg19) VCF-style: chr9-35738146-C-T.
Other names: p.Arg734His; c.2201G>A, p.Arg734His (NM_001330660.2); short protein forms R734H.
Identifiers: ClinVar variation 458301 (VCV000458301.49), dbSNP rs142621039, ClinGen allele CA5050161.
Genomic context (GRCh38, chr9:35,738,149, plus strand): 5'-CACTGGTCAGACATAACACTACGAGACTGAGGCCGAGAGCTGCTGTCATAGTTGTAATAG[C>T]GGCCTGGAGTCGAGGAAGAGAAAAATAAGGCTCCTGGTGTCCTCTCAGCTGCCTTAAGAC-3'
Protein context (NP_065995.1, residues 724-744): EAYERLLWNG[Arg734His]YYNYDSSSRP

ClinVar aggregate classification (germline): Conflicting classifications of pathogenicity. Review status: criteria provided, conflicting classifications (1 of 4 stars). 7 submissions from 7 submitters: Uncertain significance (1); Benign (1); Likely benign (4). 1 of the submissions does not count toward it. Last evaluated 2026-06-01.

Conditions:
GBA2-related disorder. Also called: GBA2-related condition.
Spastic paraplegia. Identifiers: MedGen C0037772, HP:0001258.
Hereditary spastic paraplegia. Also called: Familial spastic paraparesis. Identifiers: Orphanet 685, MedGen C0037773, MONDO:0019064. Disease mechanism: loss of function.

Allele frequency attached by ClinVar (database versions not stated): ESP Exome Variant Server 0.00038; gnomAD 0.00042; TOPMed 0.00056; gnomAD exomes 0.00057 and 0.00067; ExAC 0.00069.
gnomAD v4.1: 955 of 1,613,488 alleles (0.059%); highest among the groups gnomAD compares: Middle Eastern, 2.8%; 10 homozygotes.

Submissions (7):

CeGaT Center for Human Genetics Tuebingen
Classification: Likely benign. Last evaluated: 2026-06-01. Review status: criteria provided, single submitter. Criteria: CeGaT Center For Human Genetics Tuebingen Variant Classification Criteria Version 2. Collection method: clinical testing. Allele origin: germline. Affected: yes. Observed: 11 variant alleles.
Comment: GBA2: BP4, BS2

Labcorp Genetics (formerly Invitae), Labcorp
Classification: Likely benign for Spastic paraplegia. Last evaluated: 2025-12-21. Review status: criteria provided, single submitter. Criteria: Invitae Variant Classification Sherloc (09022015). Collection method: clinical testing. Allele origin: germline.

Blueprint Genetics
Classification: Likely benign. Last evaluated: 2024-11-26. Review status: criteria provided, single submitter. Criteria: ACMG Guidelines, 2015. Collection method: clinical testing. Allele origin: germline.

Mayo Clinic Laboratories, Mayo Clinic
Classification: Benign. Last evaluated: 2024-10-25. Review status: criteria provided, single submitter. Criteria: ACMG Guidelines, 2015. Collection method: clinical testing. Allele origin: germline. Observed: 3 variant alleles.
Comment: BS1, BS2, BP4

GeneDx
Classification: Likely benign. Last evaluated: 2021-02-12. Review status: criteria provided, single submitter. Criteria: GeneDx Variant Classification Process June 2021. Collection method: clinical testing. Allele origin: germline. Affected: yes.
Comment: This variant is associated with the following publications: (PMID: 30662006, 24252062, 30560021)

Genome Diagnostics Laboratory, The Hospital for Sick Children
Classification: Uncertain significance for Hereditary spastic paraplegia. Last evaluated: 2016-12-12. Review status: criteria provided, single submitter. Criteria: ACMG Guidelines, 2015. Collection method: clinical testing. Allele origin: germline. Affected: yes.

PreventionGenetics, part of Exact Sciences
Classification: Likely benign for GBA2-related condition. Last evaluated: 2020-06-04. Review status: no assertion criteria provided. Collection method: clinical testing. Allele origin: germline. Not counted in ClinVar's aggregate classification.
Comment: This variant is classified as likely benign based on ACMG/AMP sequence variant interpretation guidelines (Richards et al. 2015 PMID: 25741868, with internal and published modifications).

Literature cited by the submitters: PubMed 24252062 (cited by Mayo Clinic Laboratories, Mayo Clinic); PubMed 30560021 (cited by Mayo Clinic Laboratories, Mayo Clinic); PubMed 30662006 (cited by Mayo Clinic Laboratories, Mayo Clinic).